The following is an entry in ClinVar:

ClinVar aggregate classification (germline): Uncertain significance. Review status: criteria provided, multiple submitters, no conflicts (2 of 4 stars). 2 submissions from 2 submitters: Uncertain significance (2). Last evaluated 2023-09-21.

Allele frequency attached by ClinVar (database versions not stated): gnomAD exomes below 0.00001; TOPMed below 0.00001; gnomAD 0.00001.
gnomAD v4.1: 7 of 1,613,982 alleles (0.00043%); highest among the groups gnomAD compares: Non-Finnish European, 0.00059%; no homozygotes.

Submissions (2):

Labcorp Genetics (formerly Invitae), Labcorp
Classification: Uncertain significance. Last evaluated: 2023-09-21. Review status: criteria provided, single submitter. Criteria: Invitae Variant Classification Sherloc (09022015). Collection method: clinical testing. Allele origin: germline.
Comment: This sequence change replaces serine, which is neutral and polar, with asparagine, which is neutral and polar, at codon 1252 of the SRCAP protein (p.Ser1252Asn). This variant is present in population databases (no rsID available, gnomAD 0.002%). This variant has not been reported in the literature in individuals affected with SRCAP-related conditions. ClinVar contains an entry for this variant (Variation ID: 2436483). Algorithms developed to predict the effect of missense changes on protein structure and function output the following: SIFT: "Not Available"; PolyPhen-2: "Not Available"; Align-GVGD: "Not Available". The asparagine amino acid residue is found in multiple mammalian species, which suggests that this missense change does not adversely affect protein function. In summary, the available evidence is currently insufficient to determine the role of this variant in disease. Therefore, it has been classified as a Variant of Uncertain Significance.

Revvity Omics, Revvity
Classification: Uncertain significance. Last evaluated: 2022-04-18. Review status: criteria provided, single submitter. Criteria: ACMG Guidelines, 2015. Collection method: clinical testing. Allele origin: germline.

NM_006662.3(SRCAP):c.3755G>A (p.Ser1252Asn)

Gene: SRCAP (Snf2 related CREBBP activator protein; plus strand). Cytogenetic location: 16p11.2.
Variant type: single nucleotide variant.
Coding change: c.3755G>A on transcript NM_006662.3 (MANE Select); coding-DNA position 3755, G replaced by A.
Protein change: p.Ser1252Asn; replaces serine 1252 with asparagine.
Molecular consequence: missense variant.
Genome position (GRCh38, 1-based): chr16:30,722,611, G>A. VCF-style: chr16-30722611-G-A. GRCh37 (hg19) VCF-style: chr16-30733932-G-A.
Other names: short protein forms S1252N.
Identifiers: ClinVar variation 2436483 (VCV002436483.6), dbSNP rs1313545996, ClinGen allele CA395614654.